The following is an entry in ClinVar:

ClinVar aggregate classification (germline): Uncertain significance (1 of 4 stars; one submission).

Submission:

Labcorp Genetics (formerly Invitae), Labcorp
Classification: Uncertain significance. Last evaluated: 2022-07-05. Review status: criteria provided, single submitter. Criteria: Invitae Variant Classification Sherloc (09022015). Collection method: clinical testing. Allele origin: germline.
Comment: This variant has not been reported in the literature in individuals affected with PLK4-related conditions. Algorithms developed to predict the effect of missense changes on protein structure and function are either unavailable or do not agree on the potential impact of this missense change (SIFT: "Deleterious"; PolyPhen-2: "Probably Damaging"; Align-GVGD: "Class C0"). ClinVar contains an entry for this variant (Variation ID: 1354522). This variant is not present in population databases (gnomAD no frequency). This sequence change replaces glycine, which is neutral and non-polar, with valine, which is neutral and non-polar, at codon 348 of the PLK4 protein (p.Gly348Val). In summary, the available evidence is currently insufficient to determine the role of this variant in disease. Therefore, it has been classified as a Variant of Uncertain Significance. Algorithms developed to predict the effect of sequence changes on RNA splicing suggest that this variant may create or strengthen a splice site.

NM_014264.5(PLK4):c.1043G>T (p.Gly348Val)

Gene: PLK4 (polo like kinase 4; plus strand). Cytogenetic location: 4q28.1.
Variant type: single nucleotide variant.
Coding change: c.1043G>T on transcript NM_014264.5 (MANE Select); coding-DNA position 1043, G replaced by T.
Protein change: p.Gly348Val; replaces glycine 348 with valine.
Molecular consequence: missense variant.
Genome position (GRCh38, 1-based): chr4:127,886,413, G>T. VCF-style: chr4-127886413-G-T. GRCh37 (hg19) VCF-style: chr4-128807568-G-T.
Other names: c.947G>T, p.Gly316Val (NM_001190799.2); c.920G>T, p.Gly307Val (NM_001190801.2); short protein forms G307V, G348V, G316V.
Identifiers: ClinVar variation 1354522 (VCV001354522.6), dbSNP rs2148818097, ClinGen allele CA358152127.
Genomic context (GRCh38, chr4:127,886,413, plus strand): 5'-ATAAAAGTTCAACTGATTTTTCTTCTTCAGGAGATGGAAACAGTTTTTATACTCAGTGGG[G>T]AAATCAAGAAACCAGTAATAGTGGAAGGGGAAGAGTAATTCAAGATGCAGAAGAAAGGCC-3'
Protein context (NP_055079.3, residues 338-358): GDGNSFYTQW[Gly348Val]NQETSNSGRG